The following is an entry in ClinVar:

NM_007255.3(B4GALT7):c.563C>G (p.Pro188Arg)

Gene: B4GALT7 (beta-1,4-galactosyltransferase 7; plus strand). Cytogenetic location: 5q35.3.
Variant type: single nucleotide variant.
Coding change: c.563C>G on transcript NM_007255.3 (MANE Select); coding-DNA position 563, C replaced by G.
Protein change: p.Pro188Arg; replaces proline 188 with arginine.
Molecular consequence: missense variant.
Genome position (GRCh38, 1-based): chr5:177,607,451, C>G. VCF-style: chr5-177607451-C-G. GRCh37 (hg19) VCF-style: chr5-177034452-C-G.
Other names: short protein forms P188R.
Identifiers: ClinVar variation 453134 (VCV000453134.9), dbSNP rs149484064, ClinGen allele CA3586533.

ClinVar aggregate classification (germline): Uncertain significance. Review status: criteria provided, multiple submitters, no conflicts (2 of 4 stars). 3 submissions from 3 submitters: Uncertain significance (3). Last evaluated 2025-12-16.

Conditions:
Spondylodysplastic Ehlers-Danlos syndrome. Identifiers: Orphanet 536471, Orphanet 75496, MedGen C5680154, MONDO:0007526.
Inborn genetic diseases. Identifiers: MedGen C0950123, MeSH D030342.

Allele frequency attached by ClinVar (database versions not stated): TOPMed 0.00007; ESP Exome Variant Server 0.00015.
gnomAD v4.1: 203 of 1,613,742 alleles (0.013%); highest among the groups gnomAD compares: Non-Finnish European, 0.016%; 1 homozygote.

Submissions (3):

Ambry Genetics
Classification: Uncertain significance for Inborn genetic diseases. Last evaluated: 2025-12-16. Review status: criteria provided, single submitter. Criteria: Ambry Variant Classification Scheme 2023. Collection method: clinical testing. Allele origin: germline.

GeneDx
Classification: Uncertain significance. Last evaluated: 2025-04-12. Review status: criteria provided, single submitter. Criteria: GeneDx Variant Classification Process June 2021. Collection method: clinical testing. Allele origin: germline. Affected: yes.
Comment: Not observed at significant frequency in large population cohorts (gnomAD); In silico analysis supports that this missense variant has a deleterious effect on protein structure/function; Has not been previously published as pathogenic or benign to our knowledge

Labcorp Genetics (formerly Invitae), Labcorp
Classification: Uncertain significance for Spondylodysplastic Ehlers-Danlos syndrome. Last evaluated: 2022-03-18. Review status: criteria provided, single submitter. Criteria: Invitae Variant Classification Sherloc (09022015). Collection method: clinical testing. Allele origin: germline.
Comment: This sequence change replaces proline, which is neutral and non-polar, with arginine, which is basic and polar, at codon 188 of the B4GALT7 protein (p.Pro188Arg). This variant is present in population databases (rs149484064, gnomAD 0.01%). This variant has not been reported in the literature in individuals affected with B4GALT7-related conditions. ClinVar contains an entry for this variant (Variation ID: 453134). Algorithms developed to predict the effect of missense changes on protein structure and function are either unavailable or do not agree on the potential impact of this missense change (SIFT: "Deleterious"; PolyPhen-2: "Probably Damaging"; Align-GVGD: "Class C0"). In summary, the available evidence is currently insufficient to determine the role of this variant in disease. Therefore, it has been classified as a Variant of Uncertain Significance.